The following is an entry in ClinVar:

NM_000518.5(HBB):c.-77_-76del

Genes: HBB (hemoglobin subunit beta; minus strand), LOC106099062 (HBB recombination region; plus strand), LOC107133510 (origin of replication at HBB; plus strand). Cytogenetic location: 11p15.4.
Variant type: Deletion.
Coding change: c.-77_-76del on transcript NM_000518.5 (MANE Select); 77 bases upstream of the start codon through 76 bases upstream of the start codon, 2 bases deleted (AA; older notation c.-77_-76delAA).
Genome position (GRCh38, 1-based): chr11:5,227,097-5,227,098, TT deleted on the plus strand (AA on the coding strand, the reverse complement: HBB is on the minus strand); deleting any 2 consecutive bases within chr11:5,227,097-5,227,100 gives the same sequence; the c. name uses the placement nearest the transcript's 3' end. VCF-style (leftmost placement, unchanged base first): chr11-5227096-CTT-C. GRCh37 (hg19) VCF-style: chr11-5248326-CTT-C.
Other names: c.-77_-76delAA (NM_000518.4).
Identifiers: ClinVar variation 496005 (VCV000496005.6), dbSNP rs63750953, ClinGen allele CA217115752.

ClinVar aggregate classification (germline): Conflicting classifications of pathogenicity. Review status: criteria provided, conflicting classifications (1 of 4 stars). 3 submissions from 3 submitters: Likely pathogenic (2); Uncertain significance (1). Last evaluated 2024-06-20.

Conditions:
Dominant beta-thalassemia. Also called: Beta-thalassemia, dominant inclusion body type. Identifiers: Orphanet 231226, Orphanet 848, MedGen C1858990, MONDO:0011381, OMIM 603902.
Erythrocytosis, familial, 6. Also called: ERYTHROCYTOSIS, BETA-GLOBIN TYPE; POLYCYTHEMIA, BETA-GLOBIN TYPE. Identifiers: MedGen C4693822, MONDO:0054801, OMIM 617980.
Hb SS disease (SCD). Also called: Hemoglobin SS; Sickle cell anemia; Sickle cell disease; HbS disease; Hemoglobin S Disease; Sickling disorder due to hemoglobin S. Identifiers: Orphanet 232, Orphanet 275752, MedGen C0002895, MONDO:0011382, OMIM 603903.
Heinz body anemia. Also called: Heinz body hemolytic anemia. Identifiers: Orphanet 178330, MedGen C0700299, MONDO:0007705, OMIM 140700, HP:0005511.
METHEMOGLOBINEMIA, BETA TYPE. Also called: Methemoglobinemia, beta-globin type. Identifiers: MedGen C1840779, OMIM 617971.
Hereditary persistence of fetal hemoglobin. Identifiers: MedGen C0019025, MONDO:0020989, OMIM 141749.
Malaria, susceptibility to. Identifiers: Orphanet 673, MedGen C1970028, MONDO:0021024, OMIM 611162.
Beta-thalassemia HBB/LCRB. Identifiers: MedGen CN322236, MONDO:0013517, OMIM 613985.
Beta thalassemia intermedia (BTHAL-ITMD). Identifiers: Orphanet 231222, MedGen C0472767, MONDO:0016487.

Submissions (3):

Fulgent Genetics
Classification: Likely pathogenic for Heinz body anemia; Hereditary persistence of fetal hemoglobin; Dominant beta-thalassemia; Hb SS disease; Malaria, susceptibility to; Beta-thalassemia HBB/LCRB; METHEMOGLOBINEMIA, BETA TYPE; Erythrocytosis, familial, 6. Last evaluated: 2024-06-20. Review status: criteria provided, single submitter. Criteria: ACMG Guidelines, 2015. Collection method: clinical testing. Allele origin: germline.

Quest Diagnostics Nichols Institute San Juan Capistrano
Classification: Uncertain significance. Last evaluated: 2024-03-22. Review status: criteria provided, single submitter. Criteria: Quest Diagnostics criteria. Collection method: clinical testing. Allele origin: unknown.
Comment: The HBB c.-77_-76del variant (also known as -27(-AA), -25AA deletion, and rs63750953) occurs in the TATA box of the gene promoter and may affect beta globin (HBB) expression. This variant has been reported in the published literature in an individual affected with beta thalassemia intermedia who also carried another deleterious beta globin variant (PMID: 16732578 (2008)). Heterozygotes in this family had a normal Hb level, borderline microcytosis, and elevated Hb A2. One functional study showed that this TATA box deletion variant significantly reduces the binding of the TATA box binding protein and slows the formation of the TBP/TATA complex (Sharypova et al. Vavilov Journal of Genetics and Breeding 2018 22(1):145). The frequency of this variant in the general population, 0.0000066 (1/152166 chromosomes (Genome Aggregation Database)), is uninformative in the assessment of its pathogenicity. Based on the available information, we are unable to determine the clinical significance of this variant.

Women's Health and Genetics/Laboratory Corporation of America, LabCorp
Classification: Likely pathogenic for Beta thalassemia intermedia. Last evaluated: 2021-04-16. Review status: criteria provided, single submitter. Criteria: LabCorp Variant Classification Summary - May 2015. Collection method: clinical testing. Allele origin: germline.
Comment: Variant summary: HBB c.-77_-76delAA is located in the untranscribed region upstream of the HBB gene region. The variant was absent in 249250 control chromosomes (gnomAD). In the latter patient, two unaffected family members with BTHAL trait were carrier for the variant. These data indicate that the variant may be associated with disease. To our knowledge, no experimental evidence demonstrating an impact on protein function has been reported. Eng et al report that this alteration not only changes the sequence of the ATAA box from ATAAAA to ATAAGT, but also alters the distance between the ATAA box and the normal transcription start sequence. Both the sequence of the ATAA box and the spacing relative to the transcription start site are thought to be important determinants of tissue-specific expression of mammalian genes (Eng_2007). No other ClinVar submitters have submitted clinical-significance assessments for this variant to ClinVar after 2014. Based on the evidence outlined above, the variant was classified as likely pathogenic.

Literature cited by the submitters: PubMed 26554738 (cited by Quest Diagnostics Nichols Institute San Juan Capistrano); PubMed 35090172 (cited by Quest Diagnostics Nichols Institute San Juan Capistrano); PubMed 27635400 (cited by Quest Diagnostics Nichols Institute San Juan Capistrano and Women's Health and Genetics/Laboratory Corporation of America, LabCorp); PubMed 16732578 (cited by Quest Diagnostics Nichols Institute San Juan Capistrano and Women's Health and Genetics/Laboratory Corporation of America, LabCorp); PubMed 17486493 (cited by Quest Diagnostics Nichols Institute San Juan Capistrano and Women's Health and Genetics/Laboratory Corporation of America, LabCorp).